The following is an entry in ClinVar:

ClinVar aggregate classification (germline): Uncertain significance (1 of 4 stars; one submission).

Conditions:
Duchenne muscular dystrophy (DMD). Also called: MUSCULAR DYSTROPHY, PSEUDOHYPERTROPHIC PROGRESSIVE, DUCHENNE TYPE; Duchenne Muscular Dystrophy (DMD). Identifiers: Orphanet 98896, MedGen C0013264, MONDO:0010679, OMIM 310200.

Submission:

Labcorp Genetics (formerly Invitae), Labcorp
Classification: Uncertain significance for Duchenne muscular dystrophy. Last evaluated: 2023-02-25. Review status: criteria provided, single submitter. Criteria: Invitae Variant Classification Sherloc (09022015). Collection method: clinical testing. Allele origin: germline.
Comment: This variant has not been reported in the literature in individuals affected with DMD-related conditions. This variant is not present in population databases (gnomAD no frequency). This sequence change falls in intron 16 of the DMD gene. It does not directly change the encoded amino acid sequence of the DMD protein. It affects a nucleotide within the consensus splice site. Variants that disrupt the consensus splice site are a relatively common cause of aberrant splicing (PMID: 17576681, 9536098). Algorithms developed to predict the effect of sequence changes on RNA splicing suggest that this variant may disrupt the consensus splice site. In summary, the available evidence is currently insufficient to determine the role of this variant in disease. Therefore, it has been classified as a Variant of Uncertain Significance.

Literature cited by the submitters: PubMed 17576681; PubMed 9536098.

NM_004006.3(DMD):c.1992+5G>A

Gene: DMD (dystrophin; minus strand). Cytogenetic location: Xp21.1.
Variant type: single nucleotide variant.
Coding change: c.1992+5G>A on transcript NM_004006.3 (MANE Select); 5 bases into the intron after coding-DNA position 1992, G replaced by A.
Molecular consequence: intron variant.
Genome position (GRCh38, 1-based): chrX:32,565,697, C>T on the plus strand (G>A on the coding strand, the complement: DMD is on the minus strand). VCF-style: chrX-32565697-C-T. GRCh37 (hg19) VCF-style: chrX-32583814-C-T.
Other names: c.1968+5G>A (NM_000109.4); c.1980+5G>A (NM_004009.3); c.1623+5G>A (NM_004010.3).
Identifiers: ClinVar variation 2840705 (VCV002840705.3), dbSNP rs2526581677, ClinGen allele CA2739273379.